The following is an entry in ClinVar:

ClinVar aggregate classification (germline): Uncertain significance. Review status: criteria provided, multiple submitters, no conflicts (2 of 4 stars). 3 submissions from 3 submitters: Uncertain significance (3). Last evaluated 2025-11-07.

Conditions:
RYR1-related disorder. Also called: RYR1-related condition; RYR1-related disorders. Identifiers: MedGen CN239331.
Central core myopathy (CMYO1A). Also called: CONGENITAL MYOPATHY 1A, AUTOSOMAL DOMINANT, WITH SUSCEPTIBILITY TO MALIGNANT HYPERTHERMIA; Central core disease; Myopathy, central fibrillar. Identifiers: Orphanet 597, MedGen C5830701, MONDO:0007294, OMIM 117000.

Submissions (3):

3billion
Classification: Uncertain significance for Central core myopathy. Last evaluated: 2025-11-07. Review status: criteria provided, single submitter. Criteria: ACMG Guidelines, 2015. Collection method: clinical testing. Allele origin: germline. Affected: yes.
Comment: The variant is not observed in the gnomAD v4.1.0 dataset. Predicted Consequence/Location: Missense variant In silico tool predictions suggest damaging effect of the variant on gene or gene product [REVEL: 0.89 (>=0.6, sensitivity 0.68 and specificity 0.92); 3Cnet: 0.98 (> 0.75, sensitivity 0.96 and precision 0.92)]. A different missense change at the same codon (p.Pro2496Leu) has been reported to be associated with RYR1-related disorder (PMID: 16917943). However the evidence of pathogenicity is insufficient at this time. Therefore, this variant is classified as VUS according to the recommendation of ACMG/AMP guideline.

Labcorp Genetics (formerly Invitae), Labcorp
Classification: Uncertain significance for RYR1-Related Disorders. Last evaluated: 2019-06-13. Review status: criteria provided, single submitter. Criteria: Invitae Variant Classification Sherloc (09022015). Collection method: clinical testing. Allele origin: germline.
Comment: This sequence change replaces proline with arginine at codon 2496 of the RYR1 protein (p.Pro2496Arg). The proline residue is highly conserved and there is a moderate physicochemical difference between proline and arginine. This variant is not present in population databases (ExAC no frequency). This variant has not been reported in the literature in individuals with RYR1-related conditions. ClinVar contains an entry for this variant (Variation ID: 159859). Algorithms developed to predict the effect of missense changes on protein structure and function are either unavailable or do not agree on the potential impact of this missense change (SIFT: "Deleterious"; PolyPhen-2: "Benign"; Align-GVGD: "Class C0"). In summary, the available evidence is currently insufficient to determine the role of this variant in disease. Therefore, it has been classified as a Variant of Uncertain Significance.

Genetic Services Laboratory, University of Chicago
Classification: Uncertain significance. Last evaluated: 2013-10-23. Review status: criteria provided, single submitter. Criteria: ACMG Guidelines, 2007. Collection method: clinical testing. Allele origin: germline. Inheritance: Autosomal unknown.

Literature cited by the submitters: PubMed 16917943 (cited by 3billion).

NM_000540.3(RYR1):c.7487C>G (p.Pro2496Arg)

Gene: RYR1 (ryanodine receptor 1; plus strand). Cytogenetic location: 19q13.2.
Variant type: single nucleotide variant.
Coding change: c.7487C>G on transcript NM_000540.3 (MANE Select); coding-DNA position 7487, C replaced by G.
Protein change: p.Pro2496Arg; replaces proline 2496 with arginine.
Molecular consequence: missense variant.
Genome position (GRCh38, 1-based): chr19:38,500,863, C>G. VCF-style: chr19-38500863-C-G. GRCh37 (hg19) VCF-style: chr19-38991503-C-G.
Other names: c.7487C>G, p.Pro2496Arg (NM_001042723.2); short protein forms P2496R.
Identifiers: ClinVar variation 159859 (VCV000159859.8), dbSNP rs193922817, ClinGen allele CA024804.